The following is an entry in ClinVar:

NM_001111067.4(ACVR1):c.182A>G (p.Asp61Gly)

Gene: ACVR1 (activin A receptor type 1; minus strand). Cytogenetic location: 2q24.1.
Variant type: single nucleotide variant.
Coding change: c.182A>G on transcript NM_001111067.4 (MANE Select); coding-DNA position 182, A replaced by G.
Protein change: p.Asp61Gly; replaces aspartic acid 61 with glycine.
Molecular consequence: missense variant.
Genome position (GRCh38, 1-based): chr2:157,780,486, T>C on the plus strand (A>G on the coding strand, the complement: ACVR1 is on the minus strand). VCF-style: chr2-157780486-T-C. GRCh37 (hg19) VCF-style: chr2-158636998-T-C.
Other names: c.182A>G, p.Asp61Gly (NM_001347663.1, NM_001347664.1, NM_001347665.1 and 3 more transcripts); short protein forms D61G.
Identifiers: ClinVar variation 3652537 (VCV003652537.2).

ClinVar aggregate classification (germline): Uncertain significance (1 of 4 stars; one submission).

gnomAD v4.1: 3 of 1,614,122 alleles (0.00019%); no homozygotes.

Submission:

Labcorp Genetics (formerly Invitae), Labcorp
Classification: Uncertain significance. Last evaluated: 2024-05-07. Review status: criteria provided, single submitter. Criteria: Invitae Variant Classification Sherloc (09022015). Collection method: clinical testing. Allele origin: germline.
Comment: This sequence change replaces aspartic acid, which is acidic and polar, with glycine, which is neutral and non-polar, at codon 61 of the ACVR1 protein (p.Asp61Gly). This variant is not present in population databases (gnomAD no frequency). This variant has not been reported in the literature in individuals affected with ACVR1-related conditions. An algorithm developed to predict the effect of missense changes on protein structure and function (PolyPhen-2) suggests that this variant is likely to be tolerated. In summary, the available evidence is currently insufficient to determine the role of this variant in disease. Therefore, it has been classified as a Variant of Uncertain Significance.